The following is an entry in ClinVar:

NM_001433706.1(NLRP8):c.368-47C>T

Gene: NLRP8 (NLR family pyrin domain containing 8; plus strand). Cytogenetic location: 19q13.43.
Variant type: single nucleotide variant.
Coding change: c.368-47C>T on transcript NM_001433706.1 (MANE Select); 47 bases into the intron before coding-DNA position 368, C replaced by T.
Molecular consequence: intron variant.
Genome position (GRCh38, 1-based): chr19:55,952,491, C>T. VCF-style: chr19-55952491-C-T. GRCh37 (hg19) VCF-style: chr19-56463857-C-T.
Other names: NM_176811.2:c.368-47C>T; c.368-47C>T (NM_001317000.1).
Identifiers: ClinVar variation 103332 (VCV000103332.2), dbSNP rs199475835, ClinGen allele CA230428.

ClinVar aggregate classification (germline): not provided (0 of 4 stars; one submission).

Allele frequency attached by ClinVar (database versions not stated): gnomAD 0.00001.
gnomAD v4.1: 1 of 1,519,804 alleles (0.000066%); highest among the groups gnomAD compares: African/African-American, 0.0014%; no homozygotes.

Submission:

Human Evolutionary Genetics, Institut Pasteur
No classification provided. Review status: no classification provided. Collection method: not provided. Allele origin: germline.
ClinVar note: Converted during submission from untested to not provided.